The following is an entry in ClinVar:

NM_206933.4(USH2A):c.6104G>A (p.Cys2035Tyr)

Gene: USH2A (usherin; minus strand). Cytogenetic location: 1q41.
Variant type: single nucleotide variant.
Coding change: c.6104G>A on transcript NM_206933.4 (MANE Select); coding-DNA position 6104, G replaced by A.
Protein change: p.Cys2035Tyr; replaces cysteine 2035 with tyrosine.
Molecular consequence: missense variant.
Genome position (GRCh38, 1-based): chr1:216,048,593, C>T on the plus strand (G>A on the coding strand, the complement: USH2A is on the minus strand). VCF-style: chr1-216048593-C-T. GRCh37 (hg19) VCF-style: chr1-216221935-C-T.
Other names: short protein forms C2035Y.
Identifiers: ClinVar variation 236532 (VCV000236532.2), dbSNP rs878853403, ClinGen allele CA10581642.

ClinVar aggregate classification (germline): Uncertain significance. Review status: criteria provided, single submitter (1 of 4 stars). 2 submissions from 2 submitters: Uncertain significance (1). 1 of the submissions does not count toward it. Last evaluated 2025-09-10.

Conditions:
Retinal dystrophy. Also called: Inherited retinal dystrophy. Identifiers: Orphanet 71862, MedGen C0854723, MeSH D058499, MONDO:0019118, HP:0000556.

Allele frequency attached by ClinVar (database versions not stated): gnomAD exomes 0.00001.
gnomAD v4.1: 6 of 1,614,060 alleles (0.00037%); highest among the groups gnomAD compares: Non-Finnish European, 0.00051%; no homozygotes.

Submissions (2):

Labcorp Genetics (formerly Invitae), Labcorp
Classification: Uncertain significance. Last evaluated: 2025-09-10. Review status: criteria provided, single submitter. Criteria: Invitae Variant Classification Sherloc (09022015). Collection method: clinical testing. Allele origin: germline.
Comment: This sequence change replaces cysteine, which is neutral and slightly polar, with tyrosine, which is neutral and polar, at codon 2035 of the USH2A protein (p.Cys2035Tyr). This variant is not present in population databases (gnomAD no frequency). This missense change has been observed in individual(s) with USH2A-related conditions (PMID: 27208204, 38219857). ClinVar contains an entry for this variant (Variation ID: 236532). Invitae Evidence Modeling of protein sequence and biophysical properties (such as structural, functional, and spatial information, amino acid conservation, physicochemical variation, residue mobility, and thermodynamic stability) indicates that this missense variant is expected to disrupt USH2A protein function with a positive predictive value of 95%. In summary, the available evidence is currently insufficient to determine the role of this variant in disease. Therefore, it has been classified as a Variant of Uncertain Significance.

Centre for Genomic Medicine, Manchester, Central Manchester University Hospitals
Classification: Uncertain significance for Retinal dystrophy. Review status: no assertion criteria provided. Collection method: clinical testing. Allele origin: germline. Affected: yes. Not counted in ClinVar's aggregate classification.

Literature cited by the submitters: PubMed 27208204 (cited by Labcorp Genetics (formerly Invitae), Labcorp); PubMed 38219857 (cited by Labcorp Genetics (formerly Invitae), Labcorp).